The following is an entry in ClinVar:

ClinVar aggregate classification (germline): Uncertain significance (1 of 4 stars; one submission).

Submission:

CeGaT Center for Human Genetics Tuebingen
Classification: Uncertain significance. Last evaluated: 2026-02-01. Review status: criteria provided, single submitter. Criteria: CeGaT Center For Human Genetics Tuebingen Variant Classification Criteria Version 2. Collection method: clinical testing. Allele origin: germline. Affected: yes. Observed: 1 variant allele.
Comment: SPTAN1: PM2

NM_001130438.3(SPTAN1):c.3089C>A (p.Ala1030Asp)

Gene: SPTAN1 (spectrin alpha, non-erythrocytic 1; plus strand). Cytogenetic location: 9q34.11.
Variant type: single nucleotide variant.
Coding change: c.3089C>A on transcript NM_001130438.3 (MANE Select); coding-DNA position 3089, C replaced by A.
Protein change: p.Ala1030Asp; replaces alanine 1030 with aspartic acid.
Molecular consequence: missense variant.
Genome position (GRCh38, 1-based): chr9:128,591,559, C>A. VCF-style: chr9-128591559-C-A. GRCh37 (hg19) VCF-style: chr9-131353838-C-A.
Other names: c.3089C>A, p.Ala1030Asp (NM_001438444.1, NM_001438445.1, NM_003127.4 and 10 more transcripts); c.3125C>A, p.Ala1042Asp (NM_001375312.2, NM_001375318.1, NM_001438440.1); short protein forms A1030D, A1042D.
Identifiers: ClinVar variation 4823434 (VCV004823434.4).